The following is an entry in ClinVar:

NM_015978.3(TNNI3K):c.1131T>G (p.Ser377Arg)

Genes: FPGT-TNNI3K (FPGT-TNNI3K readthrough; plus strand), TNNI3K (TNNI3 interacting kinase; plus strand). Cytogenetic location: 1p31.1.
Variant type: single nucleotide variant.
Coding change: c.1131T>G on transcript NM_015978.3 (MANE Select); coding-DNA position 1131, T replaced by G.
Protein change: p.Ser377Arg; replaces serine 377 with arginine.
Molecular consequence: missense variant.
Genome position (GRCh38, 1-based): chr1:74,354,083, T>G. VCF-style: chr1-74354083-T-G. GRCh37 (hg19) VCF-style: chr1-74819767-T-G.
Other names: c.1434T>G, p.Ser478Arg (NM_001112808.3, NM_001199327.2); short protein forms S478R, S377R.
Identifiers: ClinVar variation 1968426 (VCV001968426.5), dbSNP rs769193406, ClinGen allele CA909162.

ClinVar aggregate classification (germline): Uncertain significance (1 of 4 stars; one submission).

Allele frequency attached by ClinVar (database versions not stated): gnomAD exomes below 0.00001; ExAC 0.00001; gnomAD 0.00001.
gnomAD v4.1: 3 of 1,613,940 alleles (0.00019%); highest among the groups gnomAD compares: Non-Finnish European, 0.00025%; no homozygotes.

Submission:

Labcorp Genetics (formerly Invitae), Labcorp
Classification: Uncertain significance. Last evaluated: 2021-12-21. Review status: criteria provided, single submitter. Criteria: Invitae Variant Classification Sherloc (09022015). Collection method: clinical testing. Allele origin: germline.
Comment: In summary, the available evidence is currently insufficient to determine the role of this variant in disease. Therefore, it has been classified as a Variant of Uncertain Significance. Algorithms developed to predict the effect of missense changes on protein structure and function (SIFT, PolyPhen-2, Align-GVGD) all suggest that this variant is likely to be disruptive. This variant has not been reported in the literature in individuals affected with TNNI3K-related conditions. This variant is present in population databases (rs769193406, gnomAD 0.0009%). This sequence change replaces serine, which is neutral and polar, with arginine, which is basic and polar, at codon 377 of the TNNI3K protein (p.Ser377Arg).